The following is an entry in ClinVar:

ClinVar aggregate classification (germline): Uncertain significance. Review status: criteria provided, multiple submitters, no conflicts (2 of 4 stars). 2 submissions from 2 submitters: Uncertain significance (2). Last evaluated 2025-07-24.

Conditions:
Inborn genetic diseases. Identifiers: MedGen C0950123, MeSH D030342.

Submissions (2):

Mayo Clinic Laboratories, Mayo Clinic
Classification: Uncertain significance. Last evaluated: 2025-07-24. Review status: criteria provided, single submitter. Criteria: ACMG Guidelines, 2015. Collection method: clinical testing. Allele origin: germline. Observed: 1 variant allele.
Comment: BP4_moderate, PM2_supporting

Ambry Genetics
Classification: Uncertain significance for Inborn genetic diseases. Last evaluated: 2024-05-01. Review status: criteria provided, single submitter. Criteria: Ambry Variant Classification Scheme 2023. Collection method: clinical testing. Allele origin: germline.

NM_002180.3(IGHMBP2):c.1979G>C (p.Ser660Thr)

Gene: IGHMBP2 (immunoglobulin mu DNA binding protein 2; plus strand). Cytogenetic location: 11q13.3.
Variant type: single nucleotide variant.
Coding change: c.1979G>C on transcript NM_002180.3 (MANE Select); coding-DNA position 1979, G replaced by C.
Protein change: p.Ser660Thr; replaces serine 660 with threonine.
Molecular consequence: missense variant.
Genome position (GRCh38, 1-based): chr11:68,936,459, G>C. VCF-style: chr11-68936459-G-C. GRCh37 (hg19) VCF-style: chr11-68703927-G-C.
Other names: p.Ser660Thr; short protein forms S660T.
Identifiers: ClinVar variation 3285595 (VCV003285595.2).